The following is an entry in ClinVar:

NM_000077.5(CDKN2A):c.280C>G (p.Leu94Val)

Gene: CDKN2A (cyclin dependent kinase inhibitor 2A; minus strand). Cytogenetic location: 9p21.3.
Variant type: single nucleotide variant.
Coding change: c.280C>G on transcript NM_000077.5; coding-DNA position 280, C replaced by G.
Protein change: p.Leu94Val; replaces leucine 94 with valine.
Molecular consequence: missense variant (on NM_000077.6). On other transcripts: 3 prime UTR variant (1).
Genome position (GRCh38, 1-based): chr9:21,971,079, G>C on the plus strand (C>G on the coding strand, the complement: CDKN2A is on the minus strand). VCF-style: chr9-21971079-G-C. GRCh37 (hg19) VCF-style: chr9-21971078-G-C.
Other names: c.280C>G, p.Leu94Val (NM_000077.6, NM_001195132.2); c.127C>G, p.Leu43Val (NM_001363763.2); c.323C>G, p.Ala108Gly (NM_058195.4); c.*203C>G (NM_058197.5); short protein forms L43V, L94V, A108G.
Identifiers: ClinVar variation 1796309 (VCV001796309.6), dbSNP rs1332510012, ClinGen allele CA373086157.

ClinVar aggregate classification (germline): Uncertain significance. Review status: criteria provided, multiple submitters, no conflicts (2 of 4 stars). 2 submissions from 2 submitters: Uncertain significance (2). Last evaluated 2024-04-08.

Conditions:
Familial melanoma. Also called: Hereditary melanoma; Hereditary cutaneous melanoma. Identifiers: Orphanet 618, MedGen C1512419, MONDO:0018961.
Hereditary cancer-predisposing syndrome. Also called: Hereditary neoplastic syndrome; Neoplastic Syndromes, Hereditary; Tumor predisposition; Hereditary Cancer Syndrome. Identifiers: Orphanet 140162, MedGen C0027672, MeSH D009386, MONDO:0015356.

Submissions (2):

Ambry Genetics
Classification: Uncertain significance for Hereditary cancer-predisposing syndrome. Last evaluated: 2024-04-08. Review status: criteria provided, single submitter. Criteria: Ambry Variant Classification Scheme 2023. Collection method: clinical testing. Allele origin: germline.
Comment: The p.L94V variant (also known as c.280C>G), located in coding exon 2 of the CDKN2A gene, results from a C to G substitution at nucleotide position 280. The leucine at codon 94 is replaced by valine, an amino acid with highly similar properties. This amino acid position is not well conserved in available vertebrate species, and valine is the reference amino acid in other vertebrate species. In addition, the in silico prediction for this alteration is inconclusive. Based on the available evidence, the clinical significance of this variant remains unclear.

Labcorp Genetics (formerly Invitae), Labcorp
Classification: Uncertain significance for Familial melanoma. Last evaluated: 2023-02-16. Review status: criteria provided, single submitter. Criteria: Invitae Variant Classification Sherloc (09022015). Collection method: clinical testing. Allele origin: germline.
Comment: ClinVar contains an entry for this variant (Variation ID: 1796309). An algorithm developed to predict the effect of missense changes on protein structure and function (PolyPhen-2) suggests that this variant is likely to be tolerated. This variant is also known as c.323C>G (p.Ala108Gly) in CDKN2A (p14ARF) transcript. In summary, the available evidence is currently insufficient to determine the role of this variant in disease. Therefore, it has been classified as a Variant of Uncertain Significance. The CDKN2A gene encodes two different proteins, p16INK4a and p14ARF, which are translated from alternative transcripts with different open reading frames. Both transcripts have been analyzed. We report either the variant with the higher classification or default to the CDKN2A (p16INK4a) variant. This report therefore includes the details for the CDKN2A (p16INK4a) variant. This sequence change replaces leucine, which is neutral and non-polar, with valine, which is neutral and non-polar, at codon 94 of the CDKN2A (p16INK4a) protein (p.Leu94Val). This variant is not present in population databases (gnomAD no frequency). This variant has not been reported in the literature in individuals affected with CDKN2A (p16INK4a)-related conditions.

Literature cited by the submitters: PubMed 14646619 (cited by Ambry Genetics); PubMed 19500876 (cited by Ambry Genetics); PubMed 24659262 (cited by Ambry Genetics).